The following is an entry in ClinVar:

NM_003900.5(SQSTM1):c.274G>A (p.Asp92Asn)

Gene: SQSTM1 (sequestosome 1; plus strand). Cytogenetic location: 5q35.3.
Variant type: single nucleotide variant.
Coding change: c.274G>A on transcript NM_003900.5 (MANE Select); coding-DNA position 274, G replaced by A.
Protein change: p.Asp92Asn; replaces aspartic acid 92 with asparagine.
Molecular consequence: missense variant.
Genome position (GRCh38, 1-based): chr5:179,823,026, G>A. VCF-style: chr5-179823026-G-A. GRCh37 (hg19) VCF-style: chr5-179250026-G-A.
Other names: c.22G>A, p.Asp8Asn (NM_001142298.2, NM_001142299.2); short protein forms D92N, D8N.
Identifiers: ClinVar variation 1442932 (VCV001442932.8), dbSNP rs1181188986, ClinGen allele CA362443174.

ClinVar aggregate classification (germline): Uncertain significance (1 of 4 stars; one submission).

Conditions:
Paget disease of bone 2, early-onset (PDB2). Also called: Paget disease of bone 2. Identifiers: MedGen C4085251, MONDO:0011183, OMIM 602080.
Frontotemporal dementia and/or amyotrophic lateral sclerosis 1 (FTDALS1). Also called: Frontotemporal dementia with motor neuron disease 1; C9orf72 Frontotemporal Dementia and/or Amyotrophic Lateral Sclerosis. Identifiers: Orphanet 275872, MedGen C5779877, MONDO:0007105, OMIM 105550.

Allele frequency attached by ClinVar (database versions not stated): gnomAD exomes below 0.00001; gnomAD 0.00001.

Submission:

Labcorp Genetics (formerly Invitae), Labcorp
Classification: Uncertain significance for Paget disease of bone 2, early-onset; Frontotemporal dementia and/or amyotrophic lateral sclerosis 1. Last evaluated: 2023-07-28. Review status: criteria provided, single submitter. Criteria: Invitae Variant Classification Sherloc (09022015). Collection method: clinical testing. Allele origin: germline.
Comment: This sequence change replaces aspartic acid, which is acidic and polar, with asparagine, which is neutral and polar, at codon 92 of the SQSTM1 protein (p.Asp92Asn). This variant is present in population databases (no rsID available, gnomAD 0.02%). This variant has not been reported in the literature in individuals affected with SQSTM1-related conditions. ClinVar contains an entry for this variant (Variation ID: 1442932). Advanced modeling of protein sequence and biophysical properties (such as structural, functional, and spatial information, amino acid conservation, physicochemical variation, residue mobility, and thermodynamic stability) performed at Invitae indicates that this missense variant is not expected to disrupt SQSTM1 protein function. In summary, the available evidence is currently insufficient to determine the role of this variant in disease. Therefore, it has been classified as a Variant of Uncertain Significance.